The following is an entry in ClinVar:

ClinVar aggregate classification (germline): Uncertain significance. Review status: criteria provided, multiple submitters, no conflicts (2 of 4 stars). 2 submissions from 2 submitters: Uncertain significance (2). Last evaluated 2023-06-08.

Conditions:
Cardiomyopathy (CMYO). Also called: Cardiomyopathies. Identifiers: Orphanet 167848, MedGen C0878544, MONDO:0004994, HP:0001638. Inheritance: Various modes of inheritance.
Hypertrophic cardiomyopathy. Also called: HYPERTROPHIC MYOCARDIOPATHY. Identifiers: Orphanet 217569, MedGen C0007194, MeSH D002312, MONDO:0005045, HP:0001639.

Allele frequency attached by ClinVar (database versions not stated): gnomAD exomes below 0.00001.
gnomAD v4.1: 1 of 1,614,116 alleles (0.000062%); highest among the groups gnomAD compares: Non-Finnish European, 0.000085%; no homozygotes.

Submissions (2):

All of Us Research Program, National Institutes of Health
Classification: Uncertain significance for Cardiomyopathy. Last evaluated: 2023-06-08. Review status: criteria provided, single submitter. Criteria: ACMG Guidelines, 2015. Collection method: clinical testing. Allele origin: germline. Inheritance: Autosomal dominant inheritance. Observed: 1 variant allele, 1 heterozygote.
Comment: This missense variant replaces alanine with threonine at codon 629 of the MYH7 protein. Computational prediction suggests that this variant may not impact protein structure and function (internally defined REVEL score threshold <= 0.5, PMID: 27666373). To our knowledge, functional studies have not been reported for this variant. This variant has not been reported in individuals affected with MYH7-related disorders in the literature. This variant has not been identified in the general population by the Genome Aggregation Database (gnomAD). The available evidence is insufficient to determine the role of this variant in disease conclusively. Therefore, this variant is classified as a Variant of Uncertain Significance.

This study involves interpretation of variants in research participants for the purpose of population health screening. Participant phenotype was not available at the time of variant classification. Additional details can be found in publication PMID: 35346344, PMCID: PMC8962531

Labcorp Genetics (formerly Invitae), Labcorp
Classification: Uncertain significance for Hypertrophic cardiomyopathy. Last evaluated: 2023-05-22. Review status: criteria provided, single submitter. Criteria: Invitae Variant Classification Sherloc (09022015). Collection method: clinical testing. Allele origin: germline.
Comment: In summary, the available evidence is currently insufficient to determine the role of this variant in disease. Therefore, it has been classified as a Variant of Uncertain Significance. Algorithms developed to predict the effect of missense changes on protein structure and function output the following: SIFT: "Not Available"; PolyPhen-2: "Benign"; Align-GVGD: "Not Available". The threonine amino acid residue is found in multiple mammalian species, which suggests that this missense change does not adversely affect protein function. This variant has not been reported in the literature in individuals affected with MYH7-related conditions. This variant is not present in population databases (gnomAD no frequency). This sequence change replaces alanine, which is neutral and non-polar, with threonine, which is neutral and polar, at codon 629 of the MYH7 protein (p.Ala629Thr).

NM_000257.4(MYH7):c.1885G>A (p.Ala629Thr)

Gene: MYH7 (myosin heavy chain 7; minus strand). Cytogenetic location: 14q11.2.
Variant type: single nucleotide variant.
Coding change: c.1885G>A on transcript NM_000257.4 (MANE Select); coding-DNA position 1885, G replaced by A.
Protein change: p.Ala629Thr; replaces alanine 629 with threonine.
Molecular consequence: missense variant.
Genome position (GRCh38, 1-based): chr14:23,427,588, C>T on the plus strand (G>A on the coding strand, the complement: MYH7 is on the minus strand). VCF-style: chr14-23427588-C-T. GRCh37 (hg19) VCF-style: chr14-23896797-C-T.
Other names: c.1885G>A, p.Ala629Thr (NM_001407004.1); short protein forms A629T.
Identifiers: ClinVar variation 2817413 (VCV002817413.4), dbSNP rs2502296308, ClinGen allele CA389049615.